The following is an entry in ClinVar:

NM_001312909.2(FAM111A):c.438T>C (p.Cys146=)

Gene: FAM111A (FAM111 trypsin like peptidase A; plus strand). Cytogenetic location: 11q12.1.
Variant type: single nucleotide variant.
Coding change: c.438T>C on transcript NM_001312909.2 (MANE Select); coding-DNA position 438, T replaced by C.
Protein change: p.Cys146=; no amino-acid change (cysteine 146 retained).
Molecular consequence: synonymous variant.
Genome position (GRCh38, 1-based): chr11:59,152,106, T>C. VCF-style: chr11-59152106-T-C. GRCh37 (hg19) VCF-style: chr11-58919579-T-C.
Other names: c.438T>C, p.Cys146= (NM_001142519.3, NM_001142520.3, NM_001142521.3 and 29 more transcripts).
Identifiers: ClinVar variation 3052901 (VCV003052901.2), dbSNP rs368238427, ClinGen allele CA6016579.

ClinVar aggregate classification (germline): Likely benign (0 of 4 stars; one submission).

Conditions:
FAM111A-related disorder. Also called: FAM111A-related condition.

Allele frequency attached by ClinVar (database versions not stated): gnomAD exomes below 0.00001; ExAC 0.00002; gnomAD 0.00002; TOPMed 0.00002; ESP Exome Variant Server 0.00008.
gnomAD v4.1: 5 of 1,614,054 alleles (0.00031%); highest among the groups gnomAD compares: African/African-American, 0.0053%; no homozygotes.

Submission:

PreventionGenetics, part of Exact Sciences
Classification: Likely benign for FAM111A-related condition. Last evaluated: 2023-04-21. Review status: no assertion criteria provided. Collection method: clinical testing. Allele origin: germline.
Comment: This variant is classified as likely benign based on ACMG/AMP sequence variant interpretation guidelines (Richards et al. 2015 PMID: 25741868, with internal and published modifications).